The following is an entry in ClinVar:

NM_000531.6(OTC):c.1061T>G (p.Phe354Cys)

Gene: OTC (ornithine transcarbamylase; plus strand). Cytogenetic location: Xp11.4.
Variant type: single nucleotide variant.
Coding change: c.1061T>G on transcript NM_000531.6 (MANE Select); coding-DNA position 1061, T replaced by G.
Protein change: p.Phe354Cys; replaces phenylalanine 354 with cysteine.
Molecular consequence: missense variant.
Genome position (GRCh38, 1-based): chrX:38,421,078, T>G. VCF-style: chrX-38421078-T-G. GRCh37 (hg19) VCF-style: chrX-38280331-T-G.
Other names: short protein forms F354C.
Identifiers: ClinVar variation 97104 (VCV000097104.32), dbSNP rs72558495, ClinGen allele CA224450.

ClinVar aggregate classification (germline): Conflicting classifications of pathogenicity. Review status: criteria provided, conflicting classifications (1 of 4 stars). 10 submissions from 10 submitters: Pathogenic (1); Likely pathogenic (6); Uncertain significance (2). 1 of the submissions does not count toward it. Last evaluated 2026-07-20.

Conditions:
Ornithine carbamoyltransferase deficiency (OTCD). Also called: OTC DEFICIENCY; Ornithine Carbamoyltransferase Deficiency Disease; ORNITHINE TRANSCARBAMYLASE DEFICIENCY; ORNITHINE TRANSCARBAMYLASE DEFICIENCY, HYPERAMMONEMIA DUE TO. Identifiers: Orphanet 664, MedGen C0268542, MONDO:0010703, OMIM 311250.

Allele frequency attached by ClinVar (database versions not stated): gnomAD exomes below 0.00001 and 0.00001; gnomAD 0.00001; TOPMed 0.00001.
gnomAD v4.1: 5 of 1,181,148 alleles (0.00042%); highest among the groups gnomAD compares: Non-Finnish European, 0.00058%; no homozygotes.

Submissions (10):

Myriad Genetics, Inc.
Classification: Likely pathogenic for Ornithine carbamoyltransferase deficiency. Last evaluated: 2026-07-20. Review status: criteria provided, single submitter. Criteria: Myriad Autosomal Dominant, Autosomal Recessive and X-Linked Classification Criteria (2023). Collection method: clinical testing. Allele origin: unknown.
Comment: NM_000531.5(OTC):c.1061T>G(F354C) is a missense variant classified as likely pathogenic in the context of ornithine transcarbamylase deficiency. Please note that F354C is associated with late-onset ornithine transcarbamylase deficiency. F354C has been observed in cases with relevant disease (PMID: 8857803, 10946359, 10869432). Relevant functional assessments of this variant are not available in the literature. F354C has been observed in referenced population frequency databases. In summary, NM_000531.5(OTC):c.1061T>G(F354C) is a missense variant that has been observed more frequently in cases with the relevant disease than in healthy populations. Please note: this variant was assessed in the context of healthy population screening.

CeGaT Center for Human Genetics Tuebingen
Classification: Uncertain significance. Last evaluated: 2026-03-01. Review status: criteria provided, single submitter. Criteria: CeGaT Center For Human Genetics Tuebingen Variant Classification Criteria Version 2. Collection method: clinical testing. Allele origin: germline. Affected: yes. Observed: 1 variant allele.
Comment: OTC: PS3:Moderate, PS4:Moderate, PM2:Supporting

GeneDx
Classification: Likely pathogenic. Last evaluated: 2025-11-18. Review status: criteria provided, single submitter. Criteria: GeneDx Variant Classification Process June 2021. Collection method: clinical testing. Allele origin: germline. Affected: yes.
Comment: Not observed at significant frequency in large population cohorts (gnomAD); In silico analysis suggests that this missense variant does not alter protein structure/function; This variant is associated with the following publications: (PMID: 9266388, 8857803, 28324312, 16786505, 32853555, 37146589, 11793468, 10869432, 10946359, 41108081, 36217298)

Labcorp Genetics (formerly Invitae), Labcorp
Classification: Pathogenic for Ornithine carbamoyltransferase deficiency. Last evaluated: 2025-09-28. Review status: criteria provided, single submitter. Criteria: Invitae Variant Classification Sherloc (09022015). Collection method: clinical testing. Allele origin: germline.
Comment: This sequence change replaces phenylalanine, which is neutral and non-polar, with cysteine, which is neutral and slightly polar, at codon 354 of the OTC protein (p.Phe354Cys). This variant is present in population databases (rs72558495, gnomAD 0.001%). This missense change has been observed in individuals with ornithine transcarbamylase deficiency (PMID: 9266388, 10869432). ClinVar contains an entry for this variant (Variation ID: 97104). Invitae Evidence Modeling of protein sequence and biophysical properties (such as structural, functional, and spatial information, amino acid conservation, physicochemical variation, residue mobility, and thermodynamic stability) indicates that this missense variant is expected to disrupt OTC protein function with a positive predictive value of 95%. For these reasons, this variant has been classified as Pathogenic.

Women's Health and Genetics/Laboratory Corporation of America, LabCorp
Classification: Likely pathogenic for Ornithine carbamoyltransferase deficiency. Last evaluated: 2025-06-27. Review status: criteria provided, single submitter. Criteria: LabCorp Variant Classification Summary - May 2015. Collection method: clinical testing. Allele origin: germline.
Comment: Variant summary: OTC c.1061T>G (p.Phe354Cys) results in a non-conservative amino acid change in the encoded protein sequence. Algorithms developed to predict the effect of missense changes on protein structure and function all suggest that this variant is likely to be disruptive. The variant allele was found at a frequency of 5.5e-06 in 182812 control chromosomes. Several publications reports experimental evidence evaluating an impact on protein function. The variant resulted in approximately 30-35% activity versus the WT when assayed in vitro (Scharre_2022, Lo_2023), and the most pronounced variant effect was <2% of normal activity in an affected hemizygous individual (Yamaguchi_2006). The following publications have been ascertained in the context of this evaluation (PMID: 10869432, 37146589, 32853555, 36217298, 11793468, 16786505). ClinVar contains an entry for this variant (Variation ID: 97104). Based on the evidence outlined above, the variant was classified as likely pathogenic.

Color Diagnostics, LLC DBA Color Health
Classification: Likely pathogenic for Ornithine carbamoyltransferase deficiency. Last evaluated: 2025-06-02. Review status: criteria provided, single submitter. Criteria: ACMG Guidelines, 2015. Collection method: clinical testing. Allele origin: germline.
Comment: This missense variant replaces phenylalanine with cysteine at the last amino acid codon 354 of the OTC protein (p.Phe354Cys). Computational prediction suggests that this variant may have deleterious impact on protein structure and function. This variant is rare in the general population and has been identified in 1/182812 chromosomes in the general population by the Genome Aggregation Database (gnomAD). Lang et al. (2025, DOI 10.1016/j.gimo.2025.102851) have conducted a comprehensive investigation of this variant in the literature, as well as in a retrospective review of individuals who were evaluated in the Texas Children's Hospital's Metabolic Genetics Clinic from 1995-2024, individuals reported in the Urea Cycle Disorders Consortium's database, and the carriers of this variant identified in the All of Us Research Program restricted tier dataset v7. This study has identified the p.Phe354Cys variant in 9 males and 5 females. Of these carriers, 3 males were affected with late-onset ornithine transcarbamylase deficiency. The remaining 6 males (age range 3 years to 55 years) and all 5 females did not have history hyperammonemia. In a validated functional study using yeast cells, Lang et al. have shown the mutant protein to be partially active. In conclusion, the available evidence indicate that this p.Phe354Cys variant is hypomorphic and causative of late-onset disease in males. This variant is classified as Likely Pathogenic.

Natera, Inc.
Classification: Likely pathogenic for Ornithine transcarbamylase deficiency. Last evaluated: 2025-01-16. Review status: criteria provided, single submitter. Criteria: Natera Variant Classification Schema (03/2026). Collection method: clinical testing. Allele origin: germline.
Comment: The c.1061T>G variant in OTC is a missense variant predicted to cause substitution of phenylalanine to cysteine at amino acid 354. This variant is rare in the general population with a frequency below the threshold expected for the associated phenotype(s). This variant has been observed in at least one unaffected individual, with a zygosity that is consistent with the inheritance pattern for the associated condition (in gnomAD and/or literature) (PMID: 10946359). This variant has been observed in affected individual(s) with monoallelic occurrence (heterozygous/hemizygous) (PMID: 8857803, 10869432). Computational prediction algorithms indicate this variant is likely to affect gene or protein function. Given the available evidence, this variant is classified as Likely Pathogenic.

All of Us Research Program, National Institutes of Health
Classification: Uncertain significance for Ornithine carbamoyltransferase deficiency. Last evaluated: 2023-05-04. Review status: criteria provided, single submitter. Criteria: ACMG Guidelines, 2015. Collection method: clinical testing. Allele origin: germline. Inheritance: X-linked inheritance. Observed: 1 variant allele, 1 homozygote.
Comment: This missense variant replaces phenylalanine with cysteine at the last amino acid codon 354 of the OTC protein. Computational prediction suggests that this variant may have deleterious impact on protein structure and function (internally defined REVEL score threshold >= 0.7, PMID: 27666373). To our knowledge, functional studies have not been reported for this variant. OTC enzyme activity was not determined in the proband. This variant has been identified in 1/182812 chromosomes in the general population by the Genome Aggregation Database (gnomAD). The available evidence is insufficient to determine the role of this variant in disease conclusively. Therefore, this variant is classified as a Variant of Uncertain Significance.

This study involves interpretation of variants in research participants for the purpose of population health screening. Participant phenotype was not available at the time of variant classification. Additional details can be found in publication PMID: 35346344, PMCID: PMC8962531

UNC Molecular Genetics  Laboratory, University of North Carolina at Chapel Hill
Classification: Likely pathogenic for Ornithine carbamoyltransferase deficiency. Review status: criteria provided, single submitter. Criteria: ACMG Guidelines, 2015. Collection method: research. Allele origin: germline. Affected: no. Observed: 1 variant allele. Study: NSIGHT-NC NEXUS.
Comment: The OTC c.1061T>G (p.F354C) variant was previously reported in mild ornithine transcarbamylase deficiency (PMID: 8857803; 16786505).

carrier finding

GenMed Metabolism Lab
Classification: Pathogenic. Review status: no assertion criteria provided. Collection method: not provided. Allele origin: unknown. Not counted in ClinVar's aggregate classification.
Comment: p.Phe354Cys, Late
ClinVar note: Converted during submission from pathogenic to Pathogenic.

Literature cited by the submitters: PubMed 10869432 (cited by 4 submitters); PubMed 10946359 (cited by 4 submitters); PubMed 8857803 (cited by 5 submitters); PubMed 9266388 (cited by Labcorp Genetics (formerly Invitae), Labcorp); PubMed 16786505 (cited by Women's Health and Genetics/Laboratory Corporation of America, LabCorp and UNC Molecular Genetics  Laboratory, University of North Carolina at Chapel Hill); PubMed 11793468 (cited by Women's Health and Genetics/Laboratory Corporation of America, LabCorp); PubMed 32853555 (cited by 3 submitters); PubMed 37146589 (cited by Women's Health and Genetics/Laboratory Corporation of America, LabCorp); PubMed 36217298 (cited by Women's Health and Genetics/Laboratory Corporation of America, LabCorp).